The following is an entry in ClinVar:

NM_001077365.2(POMT1):c.1798C>T (p.Arg600Ter)

Gene: POMT1 (protein O-mannosyltransferase 1; plus strand). Cytogenetic location: 9q34.13.
Variant type: single nucleotide variant.
Coding change: c.1798C>T on transcript NM_001077365.2 (MANE Select); coding-DNA position 1798, C replaced by T.
Protein change: p.Arg600Ter; replaces arginine 600 with a stop codon.
Molecular consequence: nonsense. On other transcripts: non-coding transcript variant (10).
Genome position (GRCh38, 1-based): chr9:131,521,445, C>T. VCF-style: chr9-131521445-C-T. GRCh37 (hg19) VCF-style: chr9-134396832-C-T.
Other names: c.1636C>T, p.Arg546Ter (NM_001077366.2, NM_001353194.2); c.1798C>T, p.Arg600Ter (NM_001136113.2); c.1447C>T, p.Arg483Ter (NM_001136114.2, NM_001353195.2, NM_001374691.1 and 2 more transcripts); c.1864C>T, p.Arg622Ter (NM_001353193.2, NM_007171.4); c.1708C>T, p.Arg570Ter (NM_001353196.2); c.1702C>T, p.Arg568Ter (NM_001353197.2, NM_001353198.2); c.1513C>T, p.Arg505Ter (NM_001353199.2); c.1342C>T, p.Arg448Ter (NM_001353200.2); and 3 more; short protein forms R622*, R483*, R568*, R600*, R448*, R570*, R505*, R546*.
Identifiers: ClinVar variation 194859 (VCV000194859.28), dbSNP rs794727208, ClinGen allele CA211187.
Genomic context (GRCh38, chr9:131,521,445, plus strand): 5'-TCGGGCAGCCTCGCTCTGGCCATCTACGCCCTGCTGTCCTTGTGGTACCTGCTCCGACGG[C>T]GAAGAAATGTCCATGACCTCCCTCAGGGTTAGTACCTCTCCCACATGGCTTTCTTTCTTT-3'

ClinVar aggregate classification (germline): Pathogenic. Review status: criteria provided, multiple submitters, no conflicts (2 of 4 stars). 7 submissions from 7 submitters: Pathogenic (7). Last evaluated 2025-12-03.

Conditions:
Walker-Warburg congenital muscular dystrophy. Also called: Muscular dystrophy-dystroglycanopathy, type A; Walker-Warburg syndrome. Identifiers: Orphanet 899, MedGen C0265221, MONDO:0000171.
Autosomal recessive limb-girdle muscular dystrophy type 2K. Also called: MUSCULAR DYSTROPHY-DYSTROGLYCANOPATHY (LIMB-GIRDLE), TYPE C, 1; MUSCULAR DYSTROPHY, LIMB-GIRDLE, TYPE 2K. Identifiers: Orphanet 86812, MedGen C1836373, MONDO:0012248, OMIM 609308.
Muscular dystrophy-dystroglycanopathy (congenital with impaired intellectual development), type B, 1. Also called: MUSCULAR DYSTROPHY, CONGENITAL, POMT1-RELATED; Muscular dystrophy-dystroglycanopathy (congenital with intellectual disability), type B1. Identifiers: MedGen C5436962, MONDO:0013159, OMIM 613155.
POMT1-related disorder. Also called: POMT1-related condition; POMT1-related disorders.
Muscular dystrophy-dystroglycanopathy (congenital with brain and eye anomalies), type A1 (MDDGA1). Also called: WALKER-WARBURG SYNDROME OR MUSCLE-EYE-BRAIN DISEASE, POMT1-RELATED; Hydrocephalus, agyria and retinal dysplasia; Hard +/- E syndrome; Warburg syndrome; Chemke syndrome; Pagon syndrome. Identifiers: Orphanet 588, Orphanet 899, MedGen C4284790, MONDO:0009364, OMIM 236670.

Allele frequency attached by ClinVar (database versions not stated): gnomAD exomes below 0.00001 and 0.00001; gnomAD 0.00004 and 0.00005; TOPMed 0.00010.
gnomAD v4.1: 20 of 1,614,088 alleles (0.0012%); highest among the groups gnomAD compares: Admixed American, 0.0033%; no homozygotes.

Submissions (7):

Labcorp Genetics (formerly Invitae), Labcorp
Classification: Pathogenic for Muscular dystrophy-dystroglycanopathy (congenital with impaired intellectual development), type B, 1; Walker-Warburg congenital muscular dystrophy; Autosomal recessive limb-girdle muscular dystrophy type 2K. Last evaluated: 2025-12-03. Review status: criteria provided, single submitter. Criteria: Invitae Variant Classification Sherloc (09022015). Collection method: clinical testing. Allele origin: germline.
Comment: This sequence change creates a premature translational stop signal (p.Arg622*) in the POMT1 gene. It is expected to result in an absent or disrupted protein product. Loss-of-function variants in POMT1 are known to be pathogenic (PMID: 12369018, 15637732, 16575835). This variant is present in population databases (rs794727208, gnomAD 0.007%). This premature translational stop signal has been observed in individuals with muscular dystrophy (PMID: 22522420, 22549409). ClinVar contains an entry for this variant (Variation ID: 194859). For these reasons, this variant has been classified as Pathogenic.

Women's Health and Genetics/Laboratory Corporation of America, LabCorp
Classification: Pathogenic for Muscular dystrophy-dystroglycanopathy (congenital with brain and eye anomalies), type A1. Last evaluated: 2024-11-12. Review status: criteria provided, single submitter. Criteria: LabCorp Variant Classification Summary - May 2015. Collection method: clinical testing. Allele origin: germline.
Comment: Variant summary: POMT1 c.1864C>T (p.Arg622X) results in a premature termination codon, predicted to cause a truncation of the encoded protein or absence of the protein due to nonsense mediated decay, which are commonly known mechanisms for disease. The variant allele was found at a frequency of 4e-06 in 251436 control chromosomes. c.1864C>T has been reported in the literature in at least one compound heterozygous individual affected with Limb-Girdle Muscular Dystrophy (e.g. Bello_2012). To our knowledge, no experimental evidence demonstrating an impact on protein function has been reported. The following publication has been ascertained in the context of this evaluation (PMID: 22549409). ClinVar contains an entry for this variant (Variation ID: 194859). Based on the evidence outlined above, the variant was classified as pathogenic.

Baylor Genetics
Classification: Pathogenic for Muscular dystrophy-dystroglycanopathy (congenital with brain and eye anomalies), type A1. Last evaluated: 2023-12-29. Review status: criteria provided, single submitter. Criteria: ACMG Guidelines, 2015. Collection method: clinical testing. Allele origin: unknown.

Blueprint Genetics
Classification: Pathogenic for POMT1-related disorders. Last evaluated: 2023-09-28. Review status: criteria provided, single submitter. Criteria: ACMG Guidelines, 2015. Collection method: clinical testing. Allele origin: germline. Affected: yes. Observed: 3 variant alleles.

GeneDx
Classification: Pathogenic. Last evaluated: 2022-01-10. Review status: criteria provided, single submitter. Criteria: GeneDx Variant Classification Process June 2021. Collection method: clinical testing. Allele origin: germline. Affected: yes.
Comment: Nonsense variant predicted to result in protein truncation or nonsense mediated decay in a gene for which loss-of-function is a known mechanism of disease; Not observed at significant frequency in large population cohorts (gnomAD); This variant is associated with the following publications: (PMID: 22522420, 28512129, 22549409)

Revvity Omics, Revvity
Classification: Pathogenic. Last evaluated: 2020-08-18. Review status: criteria provided, single submitter. Criteria: ACMG Guidelines, 2015. Collection method: clinical testing. Allele origin: germline.

Eurofins Ntd Llc (ga)
Classification: Pathogenic. Last evaluated: 2018-02-21. Review status: criteria provided, single submitter. Criteria: EGL ClinVar v180209 classification definitions. Collection method: clinical testing. Allele origin: germline. Observed: 2 variant alleles, 2 heterozygotes.

Literature cited by the submitters: PubMed 12369018 (cited by Labcorp Genetics (formerly Invitae), Labcorp); PubMed 15637732 (cited by Labcorp Genetics (formerly Invitae), Labcorp); PubMed 16575835 (cited by Labcorp Genetics (formerly Invitae), Labcorp); PubMed 22522420 (cited by Labcorp Genetics (formerly Invitae), Labcorp and Eurofins Ntd Llc (ga)); PubMed 22549409 (cited by 3 submitters).